The following is an entry in ClinVar:

ClinVar aggregate classification (germline): Likely benign. Review status: criteria provided, multiple submitters, no conflicts (2 of 4 stars). 2 submissions from 2 submitters: Likely benign (2). Last evaluated 2026-01-11.

Conditions:
Tuberous sclerosis 2 (TSC2). Identifiers: Orphanet 805, MedGen C1860707, MONDO:0013199, OMIM 613254.

Allele frequency attached by ClinVar (database versions not stated): TOPMed below 0.00001; gnomAD exomes 0.00001.
gnomAD v4.1: 16 of 1,597,500 alleles (0.001%); highest among the groups gnomAD compares: Non-Finnish European, 0.0014%; no homozygotes.

Submissions (2):

Labcorp Genetics (formerly Invitae), Labcorp
Classification: Likely benign for Tuberous sclerosis 2. Last evaluated: 2026-01-11. Review status: criteria provided, single submitter. Criteria: Invitae Variant Classification Sherloc (09022015). Collection method: clinical testing. Allele origin: germline.

Myriad Genetics, Inc.
Classification: Likely benign for Tuberous sclerosis 2. Last evaluated: 2025-05-14. Review status: criteria provided, single submitter. Criteria: Myriad Autosomal Dominant, Autosomal Recessive and X-Linked Classification Criteria (2023). Collection method: clinical testing. Allele origin: unknown.
Comment: This variant is considered likely benign. This variant is intronic and is not expected to impact mRNA splicing.

NM_000548.5(TSC2):c.1361+10C>T

Gene: TSC2 (TSC complex subunit 2; plus strand). Cytogenetic location: 16p13.3.
Variant type: single nucleotide variant.
Coding change: c.1361+10C>T on transcript NM_000548.5 (MANE Select); 10 bases into the intron after coding-DNA position 1361, C replaced by T.
Molecular consequence: intron variant.
Genome position (GRCh38, 1-based): chr16:2,062,610, C>T. VCF-style: chr16-2062610-C-T. GRCh37 (hg19) VCF-style: chr16-2112611-C-T.
Other names: c.1361+10C>T (NM_001114382.3, NM_021055.3, NM_001370405.1 and 3 more transcripts); c.1250+10C>T (NM_001318827.2); c.761+10C>T (NM_001318831.2); c.1214+10C>T (NM_001318829.2); c.1394+10C>T (NM_001318832.2).
Identifiers: ClinVar variation 766381 (VCV000766381.11), dbSNP rs1023095335, ClinGen allele CA276777861.